The following is an entry in ClinVar:

NM_031475.3(ESPN):c.1290C>G (p.Pro430=)

Gene: ESPN (espin; plus strand). Cytogenetic location: 1p36.31.
Variant type: single nucleotide variant.
Coding change: c.1290C>G on transcript NM_031475.3 (MANE Select); coding-DNA position 1290, C replaced by G.
Protein change: p.Pro430=; no amino-acid change (proline 430 retained).
Molecular consequence: synonymous variant.
Genome position (GRCh38, 1-based): chr1:6,445,761, C>G. VCF-style: chr1-6445761-C-G. GRCh37 (hg19) VCF-style: chr1-6505821-C-G.
Other names: c.1290C>G, p.Pro430= (NM_001367473.1, NM_001367474.1).
Identifiers: ClinVar variation 3041506 (VCV003041506.2), dbSNP rs776899743, ClinGen allele CA416020967.

ClinVar aggregate classification (germline): Likely benign (0 of 4 stars; one submission).

Conditions:
ESPN-related disorder. Also called: ESPN-related condition.

Submission:

PreventionGenetics, part of Exact Sciences
Classification: Likely benign for ESPN-related condition. Last evaluated: 2020-01-07. Review status: no assertion criteria provided. Collection method: clinical testing. Allele origin: germline.
Comment: This variant is classified as likely benign based on ACMG/AMP sequence variant interpretation guidelines (Richards et al. 2015 PMID: 25741868, with internal and published modifications).